The following is an entry in ClinVar:

NM_000243.3(MEFV):c.1760-4G>A

Genes: MEFV (MEFV innate immunity regulator, pyrin; minus strand), LOC126862264 (CDK7 strongly-dependent group 2 enhancer GRCh37_chr16:3293322-3294521; plus strand). Cytogenetic location: 16p13.3.
Variant type: single nucleotide variant.
Coding change: c.1760-4G>A on transcript NM_000243.3 (MANE Select); 4 bases into the intron before coding-DNA position 1760, G replaced by A.
Molecular consequence: intron variant. On other transcripts: missense variant (1).
Genome position (GRCh38, 1-based): chr16:3,243,896, C>T on the plus strand (G>A on the coding strand, the complement: MEFV is on the minus strand). VCF-style: chr16-3243896-C-T. GRCh37 (hg19) VCF-style: chr16-3293896-C-T.
Other names: c.1298G>A, p.Arg433His (NM_001198536.2); short protein forms R433H.
Identifiers: ClinVar variation 97458 (VCV000097458.45), dbSNP rs79662406, ClinGen allele CA280436.

ClinVar aggregate classification (germline): Conflicting classifications of pathogenicity. Review status: criteria provided, conflicting classifications (1 of 4 stars). 12 submissions from 12 submitters: Uncertain significance (1); Benign (5); Likely benign (2). 4 of the submissions do not count toward it. Last evaluated 2026-01-26.

Conditions:
Autoinflammatory syndrome. Identifiers: Orphanet 93665, MedGen C3890737, MONDO:0019751.
Familial Mediterranean fever (FMF). Also called: POLYSEROSITIS, FAMILIAL PAROXYSMAL; POLYSEROSITIS, RECURRENT; Periodic peritonitis; Benign paroxysmal peritonitis. Identifiers: Orphanet 342, MedGen C0031069, MONDO:0018088, OMIM 249100. Disease mechanism: gain of function.

Allele frequency attached by ClinVar (database versions not stated): gnomAD 0.00459; TOPMed 0.00528; 1000 Genomes Project 0.00599; ESP Exome Variant Server 0.00623; 1000 Genomes Project 30x 0.00718.
gnomAD v4.1: 1,482 of 1,613,740 alleles (0.092%); highest among the groups gnomAD compares: African/African-American, 1.7%; 17 homozygotes.

Submissions (12):

Labcorp Genetics (formerly Invitae), Labcorp
Classification: Benign for Familial Mediterranean fever. Last evaluated: 2026-01-26. Review status: criteria provided, single submitter. Criteria: Invitae Variant Classification Sherloc (09022015). Collection method: clinical testing. Allele origin: germline.

CeGaT Center for Human Genetics Tuebingen
Classification: Benign. Last evaluated: 2025-04-01. Review status: criteria provided, single submitter. Criteria: CeGaT Center For Human Genetics Tuebingen Variant Classification Criteria Version 2. Collection method: clinical testing. Allele origin: germline. Affected: yes. Observed: 1 variant allele.
Comment: MEFV: BP4, BS1, BS2

ARUP Laboratories, Molecular Genetics and Genomics, ARUP Laboratories
Classification: Likely benign. Last evaluated: 2021-09-18. Review status: criteria provided, single submitter. Criteria: ARUP Molecular Germline Variant Investigation Process 2021. Collection method: clinical testing. Allele origin: germline.

Genome Diagnostics Laboratory, The Hospital for Sick Children
Classification: Likely benign for Autoinflammatory syndrome. Last evaluated: 2021-05-18. Review status: criteria provided, single submitter. Criteria: ACMG Guidelines, 2015. Collection method: clinical testing. Allele origin: germline. Affected: yes.

Women's Health and Genetics/Laboratory Corporation of America, LabCorp
Classification: Benign. Last evaluated: 2021-01-14. Review status: criteria provided, single submitter. Criteria: LabCorp Variant Classification Summary - May 2015. Collection method: clinical testing. Allele origin: germline.
Comment: Variant summary: MEFV c.1760-4G>A alters a non-conserved nucleotide located close to a canonical splice site and therefore could affect mRNA splicing, leading to a significantly altered protein sequence. 4/4 computational tools predict no significant impact on normal splicing. However, these predictions have yet to be confirmed by functional studies. The variant allele was found at a frequency of 0.0012 in 250940 control chromosomes, predominantly at a frequency of 0.017 within the African or African-American subpopulation in the gnomAD database, including 5 homozygotes. This frequency is not significantly higher (somewhat lower) than expected for a pathogenic variant in MEFV causing Familial Mediterranean Fever (0.0012 vs 0.022), allowing no conclusion about variant significance, however, considering also the several homozygotes, the variant might still represent a benign polymorphism. To our knowledge, no occurrence of c.1760-4G>A in individuals affected with Familial Mediterranean Fever and no experimental evidence demonstrating its impact on protein function have been reported. The variant, c.1760-4G>A, has been reported by the International Study Group for Systemic Autoinflammatory Diseases (INSAID), with an experts consensus as "likely benign" (Van Gijn_2018). Four clinical diagnostic laboratories have submitted clinical-significance assessments for this variant to ClinVar after 2014 without evidence for independent evaluation and predominantly as benign/likely benign (n=3). Based on the evidence outlined above, due to the absence of any actionable evidence supporting an association with disease, the variant was classified as benign.

GeneDx
Classification: Benign. Last evaluated: 2019-02-04. Review status: criteria provided, single submitter. Criteria: GeneDx Variant Classification Process June 2021. Collection method: clinical testing. Allele origin: germline. Affected: yes.

Illumina Laboratory Services, Illumina
Classification: Uncertain significance for Familial Mediterranean fever. Last evaluated: 2018-01-13. Review status: criteria provided, single submitter. Criteria: ICSL Variant Classification Criteria 13 December 2019. Collection method: clinical testing. Allele origin: germline.

PreventionGenetics, part of Exact Sciences
Classification: Benign. Review status: criteria provided, single submitter. Criteria: ACMG Guidelines, 2015. Collection method: clinical testing. Allele origin: germline.

Natera, Inc.
Classification: Likely benign for Familial Mediterranean fever. Last evaluated: 2020-05-13. Review status: no assertion criteria provided. Collection method: clinical testing. Allele origin: germline. Not counted in ClinVar's aggregate classification.

Genome Diagnostics Laboratory, University Medical Center Utrecht
Classification: Likely benign. Review status: no assertion criteria provided. Collection method: clinical testing. Allele origin: germline. Affected: yes. Study: VKGL Data-share Consensus. Not counted in ClinVar's aggregate classification.

Laboratory of Diagnostic Genome Analysis, Leiden University Medical Center (LUMC)
Classification: Likely benign. Review status: no assertion criteria provided. Collection method: clinical testing. Allele origin: germline. Affected: yes. Study: VKGL Data-share Consensus. Not counted in ClinVar's aggregate classification.

Unité médicale des maladies autoinflammatoires, CHRU Montpellier
No classification provided. Condition: Familial Mediterranean fever. Review status: no classification provided. Collection method: not provided. Allele origin: unknown. Not counted in ClinVar's aggregate classification.

Literature cited by the submitters: PubMed 24117178 (cited by Women's Health and Genetics/Laboratory Corporation of America, LabCorp); PubMed 29599418 (cited by Women's Health and Genetics/Laboratory Corporation of America, LabCorp).